The following is an entry in ClinVar:

ClinVar aggregate classification (germline): Pathogenic. Review status: reviewed by expert panel (3 of 4 stars). 2 submissions from 2 submitters: Pathogenic (1). 1 of the submissions does not count toward it. Last evaluated 2016-10-18.

Conditions:
Breast-ovarian cancer, familial, susceptibility to, 2 (BROVCA2). Also called: BRCA2 Hereditary Breast and Ovarian Cancer. Identifiers: Orphanet 145, MedGen C2675520, MONDO:0012933, OMIM 612555. Disease mechanism: loss of function.

Submissions (2):

Evidence-based Network for the Interpretation of Germline Mutant Alleles (ENIGMA)
Classification: Pathogenic for Breast-ovarian cancer, familial, susceptibility to, 2. Last evaluated: 2016-10-18. Review status: reviewed by expert panel. Criteria: ENIGMA BRCA1/2 Classification Criteria (2015). Collection method: curation. Allele origin: germline.
Comment: Variant allele predicted to encode a truncated non-functional protein.

Consortium of Investigators of Modifiers of BRCA1/2 (CIMBA), c/o University of Cambridge
Classification: Pathogenic for Breast-ovarian cancer, familial, susceptibility to, 2. Last evaluated: 2015-10-02. Review status: criteria provided, single submitter. Criteria: CIMBA Mutation Classification guidelines May 2016. Collection method: clinical testing. Allele origin: germline. Not counted in ClinVar's aggregate classification.

NM_000059.4(BRCA2):c.2202_2203insAA (p.Ala735fs)

Gene: BRCA2 (BRCA2 DNA repair associated; plus strand). Cytogenetic location: 13q13.1.
Variant type: Insertion.
Coding change: c.2202_2203insAA on transcript NM_000059.4 (MANE Select); coding-DNA positions 2202 to 2203, AA inserted.
Protein change: p.Ala735fs; shifts the reading frame from alanine 735.
Molecular consequence: frameshift variant.
Genome position: GRCh38 VCF-style: chr13-32336557-G-GAA. GRCh37 (hg19) VCF-style: chr13-32910694-G-GAA.
Other names: 2430_2431insAA; short protein forms A735fs.
Identifiers: ClinVar variation 266683 (VCV000266683.5), dbSNP rs886040410, ClinGen allele CA10589140.
Genomic context (GRCh38, chr13:32,336,557, plus strand): 5'-AGGACAGTGTGAAAATGATCCAAAAAGCAAAAAAGTTTCAGATATAAAAGAAGAGGTCTT[G>GAA]GCTGCAGCATGTCACCCAGTACAACATTCAAAAGTGGAATACAGTGATACTGACTTTCAA-3'